The following is an entry in ClinVar:

NM_000260.4(MYO7A):c.2731C>T (p.Arg911Trp)

Gene: MYO7A (myosin VIIA; plus strand). Cytogenetic location: 11q13.5.
Variant type: single nucleotide variant.
Coding change: c.2731C>T on transcript NM_000260.4 (MANE Select); coding-DNA position 2731, C replaced by T.
Protein change: p.Arg911Trp; replaces arginine 911 with tryptophan.
Molecular consequence: missense variant.
Genome position (GRCh38, 1-based): chr11:77,181,416, C>T. VCF-style: chr11-77181416-C-T. GRCh37 (hg19) VCF-style: chr11-76892462-C-T.
Other names: c.2731C>T, p.Arg911Trp (NM_001127180.2); c.2698C>T, p.Arg900Trp (NM_001369365.1); short protein forms R900W, R911W.
Identifiers: ClinVar variation 1313139 (VCV001313139.5), dbSNP rs377072368, ClinGen allele CA6197919.

ClinVar aggregate classification (germline): Uncertain significance. Review status: criteria provided, multiple submitters, no conflicts (2 of 4 stars). 4 submissions from 4 submitters: Uncertain significance (4). Last evaluated 2025-10-02.

Conditions:
Inborn genetic diseases. Identifiers: MedGen C0950123, MeSH D030342.

Allele frequency attached by ClinVar (database versions not stated): gnomAD 0.00001 and 0.00002; gnomAD exomes 0.00001; TOPMed 0.00001; ExAC 0.00003; ESP Exome Variant Server 0.00008.
gnomAD v4.1: 17 of 1,586,912 alleles (0.0011%); highest among the groups gnomAD compares: East Asian, 0.0069%; no homozygotes.

Submissions (4):

Ambry Genetics
Classification: Uncertain significance for Inborn genetic diseases. Last evaluated: 2025-10-02. Review status: criteria provided, single submitter. Criteria: Ambry Variant Classification Scheme 2023. Collection method: clinical testing. Allele origin: germline.

Labcorp Genetics (formerly Invitae), Labcorp
Classification: Uncertain significance. Last evaluated: 2021-12-23. Review status: criteria provided, single submitter. Criteria: Invitae Variant Classification Sherloc (09022015). Collection method: clinical testing. Allele origin: germline.
Comment: This sequence change replaces arginine, which is basic and polar, with tryptophan, which is neutral and slightly polar, at codon 911 of the MYO7A protein (p.Arg911Trp). The frequency data for this variant in the population databases is considered unreliable, as metrics indicate poor data quality at this position in the gnomAD database. This variant has not been reported in the literature in individuals affected with MYO7A-related conditions. ClinVar contains an entry for this variant (Variation ID: 1313139). Advanced modeling of protein sequence and biophysical properties (such as structural, functional, and spatial information, amino acid conservation, physicochemical variation, residue mobility, and thermodynamic stability) performed at Invitae indicates that this missense variant is not expected to disrupt MYO7A protein function. In summary, the available evidence is currently insufficient to determine the role of this variant in disease. Therefore, it has been classified as a Variant of Uncertain Significance.

GeneDx
Classification: Uncertain significance. Last evaluated: 2020-08-02. Review status: criteria provided, single submitter. Criteria: GeneDx Variant Classification Process June 2021. Collection method: clinical testing. Allele origin: germline. Affected: yes.
Comment: In silico analysis supports that this missense variant has a deleterious effect on protein structure/function; Has not been previously published as pathogenic or benign to our knowledge

Blueprint Genetics
Classification: Uncertain significance. Last evaluated: 2019-08-29. Review status: criteria provided, single submitter. Criteria: ACMG Guidelines, 2015. Collection method: clinical testing. Allele origin: germline.